The following is an entry in ClinVar:

NM_001372.4(DNAH9):c.2850G>C (p.Glu950Asp)

Genes: DNAH9 (dynein axonemal heavy chain 9; plus strand), LOC126862505 (BRD4-independent group 4 enhancer GRCh37_chr17:11572478-11573677; plus strand). Cytogenetic location: 17p12.
Variant type: single nucleotide variant.
Coding change: c.2850G>C on transcript NM_001372.4 (MANE Select); coding-DNA position 2850, G replaced by C.
Protein change: p.Glu950Asp; replaces glutamic acid 950 with aspartic acid.
Molecular consequence: missense variant.
Genome position (GRCh38, 1-based): chr17:11,669,182, G>C. VCF-style: chr17-11669182-G-C. GRCh37 (hg19) VCF-style: chr17-11572499-G-C.
Other names: short protein forms E950D.
Identifiers: ClinVar variation 4744052 (VCV004744052.1).

ClinVar aggregate classification (germline): Uncertain significance (1 of 4 stars; one submission).

Submission:

Labcorp Genetics (formerly Invitae), Labcorp
Classification: Uncertain significance. Last evaluated: 2025-03-12. Review status: criteria provided, single submitter. Criteria: Invitae Variant Classification Sherloc (09022015). Collection method: clinical testing. Allele origin: germline.
Comment: This sequence change replaces glutamic acid, which is acidic and polar, with aspartic acid, which is acidic and polar, at codon 950 of the DNAH9 protein (p.Glu950Asp). This variant is not present in population databases (gnomAD no frequency). This variant has not been reported in the literature in individuals affected with DNAH9-related conditions. Invitae Evidence Modeling of protein sequence and biophysical properties (such as structural, functional, and spatial information, amino acid conservation, physicochemical variation, residue mobility, and thermodynamic stability) indicates that this missense variant is not expected to disrupt DNAH9 protein function with a negative predictive value of 80%. In summary, the available evidence is currently insufficient to determine the role of this variant in disease. Therefore, it has been classified as a Variant of Uncertain Significance.